The following is an entry in ClinVar:

NM_005228.5(EGFR):c.959A>C (p.Glu320Ala)

Gene: EGFR (epidermal growth factor receptor; plus strand). Cytogenetic location: 7p11.2.
Variant type: single nucleotide variant.
Coding change: c.959A>C on transcript NM_005228.5 (MANE Select); coding-DNA position 959, A replaced by C.
Protein change: p.Glu320Ala; replaces glutamic acid 320 with alanine.
Molecular consequence: missense variant.
Genome position (GRCh38, 1-based): chr7:55,155,899, A>C. VCF-style: chr7-55155899-A-C. GRCh37 (hg19) VCF-style: chr7-55223592-A-C.
Other names: c.824A>C, p.Glu275Ala (NM_001346897.2, NM_001346899.2); c.959A>C, p.Glu320Ala (NM_001346898.2, NM_201282.2, NM_201283.2 and 1 more transcripts); c.800A>C, p.Glu267Ala (NM_001346900.2); c.158A>C, p.Glu53Ala (NM_001346941.2); short protein forms E53A, E267A, E275A, E320A.
Identifiers: ClinVar variation 4016771 (VCV004016771.1).

ClinVar aggregate classification (germline): Uncertain significance (1 of 4 stars; one submission).

Conditions:
Hereditary cancer-predisposing syndrome. Also called: Tumor predisposition; Hereditary neoplastic syndrome; Neoplastic Syndromes, Hereditary; Hereditary Cancer Syndrome. Identifiers: Orphanet 140162, MedGen C0027672, MeSH D009386, MONDO:0015356.

gnomAD v4.1: 1 of 1,614,008 alleles (0.000062%); highest among the groups gnomAD compares: Non-Finnish European, 0.000085%; no homozygotes.

Submission:

Ambry Genetics
Classification: Uncertain significance for Hereditary cancer-predisposing syndrome. Last evaluated: 2025-05-11. Review status: criteria provided, single submitter. Criteria: Ambry Variant Classification Scheme 2023. Collection method: clinical testing. Allele origin: germline.
Comment: The p.E320A variant (also known as c.959A>C), located in coding exon 8 of the EGFR gene, results from an A to C substitution at nucleotide position 959. The glutamic acid at codon 320 is replaced by alanine, an amino acid with dissimilar properties. This amino acid position is conserved. In addition, this alteration is predicted to be deleterious by in silico analysis. Based on the available evidence, the clinical significance of this variant remains unclear.